The following is an entry in ClinVar:

ClinVar aggregate classification (germline): Conflicting classifications of pathogenicity. Review status: criteria provided, conflicting classifications (1 of 4 stars). 15 submissions from 15 submitters: Uncertain significance (2); Benign (6); Likely benign (4). 3 of the submissions do not count toward it. Last evaluated 2026-02-03.

Conditions:
Cardiovascular phenotype. Identifiers: MedGen CN230736.
Cardiomyopathy (CMYO). Also called: Cardiomyopathies. Identifiers: Orphanet 167848, MedGen C0878544, MONDO:0004994, HP:0001638. Inheritance: Various modes of inheritance.
Dilated cardiomyopathy 1DD (CMD1DD). Identifiers: Orphanet 154, MedGen C2750995, MONDO:0013168, OMIM 613172.

Allele frequency attached by ClinVar (database versions not stated): 1000 Genomes Project 30x 0.00234; gnomAD 0.00252; 1000 Genomes Project 0.00260; TOPMed 0.00267.
gnomAD v4.1: 640 of 1,551,732 alleles (0.041%); highest among the groups gnomAD compares: African/African-American, 0.78%; 3 homozygotes.

Submissions (15):

Labcorp Genetics (formerly Invitae), Labcorp
Classification: Benign for Dilated cardiomyopathy 1DD. Last evaluated: 2026-02-03. Review status: criteria provided, single submitter. Criteria: Invitae Variant Classification Sherloc (09022015). Collection method: clinical testing. Allele origin: germline.

CeGaT Center for Human Genetics Tuebingen
Classification: Benign. Last evaluated: 2025-11-01. Review status: criteria provided, single submitter. Criteria: CeGaT Center For Human Genetics Tuebingen Variant Classification Criteria Version 2. Collection method: clinical testing. Allele origin: germline. Affected: yes. Observed: 1 variant allele.
Comment: RBM20: BP4, BS1, BS2

ARUP Laboratories, Molecular Genetics and Genomics, ARUP Laboratories
Classification: Likely benign for Dilated cardiomyopathy 1DD. Last evaluated: 2024-12-12. Review status: criteria provided, single submitter. Criteria: ARUP Molecular Germline Variant Investigation Process 2024. Collection method: clinical testing. Allele origin: germline.

Blueprint Genetics
Classification: Likely benign. Last evaluated: 2024-07-18. Review status: criteria provided, single submitter. Criteria: ACMG Guidelines, 2015. Collection method: clinical testing. Allele origin: germline.

Women's Health and Genetics/Laboratory Corporation of America, LabCorp
Classification: Benign. Last evaluated: 2021-04-26. Review status: criteria provided, single submitter. Criteria: LabCorp Variant Classification Summary - May 2015. Collection method: clinical testing. Allele origin: germline.
Comment: Variant summary: RBM20 c.3265C>G (p.Pro1089Ala) results in a non-conservative amino acid change in the encoded protein sequence. Four of five in-silico tools predict a benign effect of the variant on protein function. The variant allele was found at a frequency of 0.00045 in 156498 control chromosomes, predominantly at a frequency of 0.0077 within the African or African-American subpopulation in the gnomAD database. The observed variant frequency within African or African-American control individuals in the gnomAD database is approximately 164 fold of the estimated maximal expected allele frequency for a pathogenic variant in RBM20 causing Dilated Cardiomyopathy phenotype (4.7e-05), strongly suggesting that the variant is a benign polymorphism found primarily in populations of African or African-American origin. Seven clinical diagnostic laboratories have submitted clinical-significance assessments for this variant to ClinVar after 2014 without evidence for independent evaluation (benign/likely benign n=6, VUS n=1). Based on the evidence outlined above, the variant was classified as benign.

Molecular Diagnostic Laboratory for Inherited Cardiovascular Disease, Montreal Heart Institute
Classification: Likely benign. Last evaluated: 2019-12-04. Review status: criteria provided, single submitter. Criteria: ACMG Guidelines, 2015. Collection method: clinical testing. Allele origin: germline. Affected: yes.

Ambry Genetics
Classification: Likely benign for Cardiovascular phenotype. Last evaluated: 2019-01-25. Review status: criteria provided, single submitter. Criteria: Ambry Variant Classification Scheme 2023. Collection method: clinical testing. Allele origin: germline.

CHEO Genetics Diagnostic Laboratory, Children's Hospital of Eastern Ontario
Classification: Benign for Cardiomyopathy. Last evaluated: 2017-11-09. Review status: criteria provided, single submitter. Criteria: ACMG Guidelines, 2015. Collection method: clinical testing. Allele origin: germline.

Fulgent Genetics
Classification: Uncertain significance for Dilated cardiomyopathy 1DD. Last evaluated: 2017-05-23. Review status: criteria provided, single submitter. Criteria: ACMG Guidelines, 2015. Collection method: clinical testing. Allele origin: unknown.

GeneDx
Classification: Benign. Last evaluated: 2016-10-14. Review status: criteria provided, single submitter. Criteria: GeneDx Variant Classification (06012015). Collection method: clinical testing. Allele origin: germline. Affected: yes.
Comment: This variant is considered likely benign or benign based on one or more of the following criteria: it is a conservative change, it occurs at a poorly conserved position in the protein, it is predicted to be benign by multiple in silico algorithms, and/or has population frequency not consistent with disease.

Eurofins Ntd Llc (ga)
Classification: Benign. Last evaluated: 2015-08-12. Review status: criteria provided, single submitter. Criteria: EGL Classification Definitions 2015. Collection method: clinical testing. Allele origin: germline. Observed: 1 variant allele, 1 heterozygote.

Laboratory for Molecular Medicine, Mass General Brigham Personalized Medicine
Classification: Uncertain significance. Last evaluated: 2012-05-01. Review status: criteria provided, single submitter. Criteria: LMM Criteria. Collection method: clinical testing. Allele origin: germline. Observed: 1 variant allele.
Comment: Variant classified as Uncertain Significance - Favor Benign. The Pro1089Ala vari ant (RBM20) has not been reported in the literature nor previously identified by our laboratory. Proline (Pro) at position 1089 is not well conserved in evolut ion, suggesting that a change may be tolerated. Other computational analyses (bi ochemical amino acid properties, conservation, AlignGVGD, PolyPhen2, and SIFT) a lso suggest that this variant may not impact the protein, though this informatio n is not predictive enough to rule out pathogenicity. Of note, the variant has b een identified in the NHLBI Exome Sequencing Project (du/EVS). However, the data did not pass quality metrics and was therefore not i ncluded in the assessment of the variant. In summary, although this data support s that the Pro1089Ala variant may be benign, additional studies are needed to fu lly assess its clinical significance.

Clinical Genetics DNA and cytogenetics Diagnostics Lab, Erasmus MC, Erasmus Medical Center
Classification: Likely benign. Review status: no assertion criteria provided. Collection method: clinical testing. Allele origin: germline. Affected: yes. Study: VKGL Data-share Consensus. Not counted in ClinVar's aggregate classification.

Clinical Genetics, Academic Medical Center
Classification: Benign. Review status: no assertion criteria provided. Collection method: clinical testing. Allele origin: germline. Affected: yes. Study: VKGL Data-share Consensus. Not counted in ClinVar's aggregate classification.

Genome Diagnostics Laboratory, University Medical Center Utrecht
Classification: Benign. Review status: no assertion criteria provided. Collection method: clinical testing. Allele origin: germline. Affected: yes. Study: VKGL Data-share Consensus. Not counted in ClinVar's aggregate classification.

NM_001134363.3(RBM20):c.3265C>G (p.Pro1089Ala)

Gene: RBM20 (RNA binding motif protein 20; plus strand). Cytogenetic location: 10q25.2.
Variant type: single nucleotide variant.
Coding change: c.3265C>G on transcript NM_001134363.3 (MANE Select); coding-DNA position 3265, C replaced by G.
Protein change: p.Pro1089Ala; replaces proline 1089 with alanine.
Molecular consequence: missense variant.
Genome position (GRCh38, 1-based): chr10:110,821,884, C>G. VCF-style: chr10-110821884-C-G. GRCh37 (hg19) VCF-style: chr10-112581642-C-G.
Other names: p.P1089A:CCC>GCC; short protein forms P1089A.
Identifiers: ClinVar variation 44006 (VCV000044006.44), dbSNP rs147356378, ClinGen allele CA133362.